The following is an entry in ClinVar:

ClinVar aggregate classification (germline): Conflicting classifications of pathogenicity. Review status: criteria provided, conflicting classifications (1 of 4 stars). 2 submissions from 2 submitters: Uncertain significance (1); Likely benign (1). Last evaluated 2026-01-19.

Conditions:
Ullrich congenital muscular dystrophy 2 (UCMD2). Identifiers: Orphanet 75840, MedGen C4225314, MONDO:0014654, OMIM 616470.
Bethlem myopathy 2 (BTHLM2). Identifiers: Orphanet 536516, Orphanet 610, MedGen C4225313, MONDO:0034022, OMIM 616471.

Allele frequency attached by ClinVar (database versions not stated): gnomAD 0.00001; ExAC 0.00001; gnomAD exomes 0.00002 and 0.00003; TOPMed 0.00003.
gnomAD v4.1: 40 of 1,611,966 alleles (0.0025%); highest among the groups gnomAD compares: Admixed American, 0.0067%; no homozygotes.

Submissions (2):

Labcorp Genetics (formerly Invitae), Labcorp
Classification: Likely benign for Bethlem myopathy 2; Ullrich congenital muscular dystrophy 2. Last evaluated: 2026-01-19. Review status: criteria provided, single submitter. Criteria: Invitae Variant Classification Sherloc (09022015). Collection method: clinical testing. Allele origin: germline.

GeneDx
Classification: Uncertain significance. Last evaluated: 2024-09-03. Review status: criteria provided, single submitter. Criteria: GeneDx Variant Classification Process June 2021. Collection method: clinical testing. Allele origin: germline. Affected: yes.
Comment: Has not been previously published as pathogenic or benign to our knowledge; In silico analysis supports that this missense variant has a deleterious effect on protein structure/function

NM_004370.6(COL12A1):c.7009G>A (p.Asp2337Asn)

Gene: COL12A1 (collagen type XII alpha 1 chain; minus strand). Cytogenetic location: 6q13.
Variant type: single nucleotide variant.
Coding change: c.7009G>A on transcript NM_004370.6 (MANE Select); coding-DNA position 7009, G replaced by A.
Protein change: p.Asp2337Asn; replaces aspartic acid 2337 with asparagine.
Molecular consequence: missense variant.
Genome position (GRCh38, 1-based): chr6:75,121,379, C>T on the plus strand (G>A on the coding strand, the complement: COL12A1 is on the minus strand). VCF-style: chr6-75121379-C-T. GRCh37 (hg19) VCF-style: chr6-75831095-C-T.
Other names: c.3517G>A, p.Asp1173Asn (NM_080645.3); short protein forms D1173N, D2337N.
Identifiers: ClinVar variation 649399 (VCV000649399.11), dbSNP rs772161963, ClinGen allele CA3892668.